The following is an entry in ClinVar:

NM_001384732.1(CPLANE1):c.7691-5T>G

Gene: CPLANE1 (ciliogenesis and planar polarity effector complex subunit 1; minus strand). Cytogenetic location: 5p13.2.
Variant type: single nucleotide variant.
Coding change: c.7691-5T>G on transcript NM_001384732.1 (MANE Select); 5 bases into the intron before coding-DNA position 7691, T replaced by G.
Molecular consequence: intron variant.
Genome position (GRCh38, 1-based): chr5:37,158,350, A>C on the plus strand (T>G on the coding strand, the complement: CPLANE1 is on the minus strand). VCF-style: chr5-37158350-A-C. GRCh37 (hg19) VCF-style: chr5-37158452-A-C.
Other names: c.7691-5T>G (NM_023073.4).
Identifiers: ClinVar variation 4293723 (VCV004293723.1).

ClinVar aggregate classification (germline): Uncertain significance (1 of 4 stars; one submission).

Conditions:
Joubert syndrome 17 (JBTS17). Identifiers: Orphanet 475, MedGen C3553264, MONDO:0013824, OMIM 614615.

Submission:

3billion
Classification: Uncertain significance for Joubert syndrome 17. Last evaluated: 2024-08-01. Review status: criteria provided, single submitter. Criteria: ACMG Guidelines, 2015. Collection method: clinical testing. Allele origin: germline. Affected: yes.
Comment: The variant is not observed in the gnomAD v4.0.0 dataset. Predicted Consequence/Location: Intron variant In silico tools predict the variant to alter splicing and produce an abnormal transcript [SpliceAI: 0.65 (>=0.2, moderate evidence for spliceogenicity)]. Therefore, this variant is classified as VUS according to the recommendation of ACMG/AMP guideline.